The following is an entry in ClinVar:

NM_001376.5(DYNC1H1):c.150C>G (p.Ala50=)

Gene: DYNC1H1 (dynein cytoplasmic 1 heavy chain 1; plus strand). Cytogenetic location: 14q32.31.
Variant type: single nucleotide variant.
Coding change: c.150C>G on transcript NM_001376.5 (MANE Select); coding-DNA position 150, C replaced by G.
Protein change: p.Ala50=; no amino-acid change (alanine 50 retained).
Molecular consequence: synonymous variant.
Genome position (GRCh38, 1-based): chr14:101,964,841, C>G. VCF-style: chr14-101964841-C-G. GRCh37 (hg19) VCF-style: chr14-102431178-C-G.
Identifiers: ClinVar variation 779756 (VCV000779756.30), dbSNP rs372404851, ClinGen allele CA266961948.

ClinVar aggregate classification (germline): Likely benign. Review status: criteria provided, multiple submitters, no conflicts (2 of 4 stars). 2 submissions from 2 submitters: Likely benign (2). Last evaluated 2024-03-13.

Conditions:
Charcot-Marie-Tooth disease axonal type 2O. Also called: CHARCOT-MARIE-TOOTH NEUROPATHY, AXONAL, TYPE 2O; CHARCOT-MARIE-TOOTH DISEASE, AXONAL, AUTOSOMAL DOMINANT, TYPE 2O; Charcot-Marie-Tooth Neuropathy Type 2O; Charcot-Marie-Tooth disease, axonal, type 20. Identifiers: Orphanet 284232, MedGen C3280220, MONDO:0013644, OMIM 614228.

Allele frequency attached by ClinVar (database versions not stated): ESP Exome Variant Server 0.00008.

Submissions (2):

Labcorp Genetics (formerly Invitae), Labcorp
Classification: Likely benign for Charcot-Marie-Tooth disease axonal type 2O. Last evaluated: 2024-03-13. Review status: criteria provided, single submitter. Criteria: Invitae Variant Classification Sherloc (09022015). Collection method: clinical testing. Allele origin: germline.

CeGaT Center for Human Genetics Tuebingen
Classification: Likely benign. Last evaluated: 2023-02-01. Review status: criteria provided, single submitter. Criteria: CeGaT Center For Human Genetics Tuebingen Variant Classification Criteria Version 2. Collection method: clinical testing. Allele origin: germline. Affected: yes. Observed: 1 variant allele.
Comment: DYNC1H1: PM2:Supporting, BP4, BP7